The following is an entry in ClinVar:

ClinVar aggregate classification (germline): Uncertain significance. Review status: criteria provided, multiple submitters, no conflicts (2 of 4 stars). 4 submissions from 4 submitters: Uncertain significance (4). Last evaluated 2025-11-26.

Conditions:
Hereditary spastic paraplegia 48. Also called: Spastic paraplegia 48; SPASTIC PARAPLEGIA 48, AUTOSOMAL RECESSIVE. Identifiers: Orphanet 306511, MedGen C3150901, MONDO:0013342, OMIM 613647.
Inborn genetic diseases. Identifiers: MedGen C0950123, MeSH D030342.

Allele frequency attached by ClinVar (database versions not stated): TOPMed below 0.00001; gnomAD 0.00002; gnomAD exomes 0.00002; ExAC 0.00003.
gnomAD v4.1: 35 of 1,611,976 alleles (0.0022%); highest among the groups gnomAD compares: Middle Eastern, 0.049%; no homozygotes.

Submissions (4):

Ambry Genetics
Classification: Uncertain significance for Inborn genetic diseases. Last evaluated: 2025-11-26. Review status: criteria provided, single submitter. Criteria: Ambry Variant Classification Scheme 2023. Collection method: clinical testing. Allele origin: germline.

Labcorp Genetics (formerly Invitae), Labcorp
Classification: Uncertain significance for Hereditary spastic paraplegia 48. Last evaluated: 2022-07-30. Review status: criteria provided, single submitter. Criteria: Invitae Variant Classification Sherloc (09022015). Collection method: clinical testing. Allele origin: germline.
Comment: This sequence change replaces asparagine, which is neutral and polar, with lysine, which is basic and polar, at codon 784 of the AP5Z1 protein (p.Asn784Lys). This variant is present in population databases (rs748913228, gnomAD 0.004%). This variant has not been reported in the literature in individuals affected with AP5Z1-related conditions. ClinVar contains an entry for this variant (Variation ID: 1309758). Algorithms developed to predict the effect of missense changes on protein structure and function are either unavailable or do not agree on the potential impact of this missense change (SIFT: "Tolerated"; PolyPhen-2: "Probably Damaging"; Align-GVGD: "Class C0"). In summary, the available evidence is currently insufficient to determine the role of this variant in disease. Therefore, it has been classified as a Variant of Uncertain Significance.

GeneDx
Classification: Uncertain significance. Last evaluated: 2019-10-25. Review status: criteria provided, single submitter. Criteria: GeneDx Variant Classification Process June 2021. Collection method: clinical testing. Allele origin: germline. Affected: yes.
Comment: Not observed at a significant frequency in large population cohorts (Lek et al., 2016); In silico analysis, which includes protein predictors and evolutionary conservation, supports a deleterious effect; Has not been previously published as pathogenic or benign to our knowledge

Victorian Clinical Genetics Services, Murdoch Childrens Research Institute
Classification: Uncertain significance for Hereditary spastic paraplegia 48. Last evaluated: 2019-08-28. Review status: criteria provided, single submitter. Criteria: ACMG Guidelines, 2015. Collection method: clinical testing. Allele origin: germline. Inheritance: Autosomal recessive inheritance.
Comment: A heterozygous missense variant, NM_014855.2(AP5Z1):c.2352C>A, has been identified in exon 17 of 17 of the AP5Z1 gene. The variant is predicted to result in a moderate amino acid change from asparagine to lysine at position 784 of the protein (NP_055670.1(AP5Z1):p.(Asn784Lys)). The asparagine residue at this position has low conservation (100 vertebrates, UCSC), but is not located within a well established functional domain. In silico predictions of pathogenicity for this variant are conflicting (Polyphen, SIFT, CADD, Mutation Taster). The variant is absent in population databases (gnomAD) and has not been previously reported in clinical cases. Based on the information available at the time of curation, this variant has been classified as a VARIANT of UNCERTAIN SIGNIFICANCE (VUS).

NM_014855.3(AP5Z1):c.2352C>A (p.Asn784Lys)

Gene: AP5Z1 (adaptor related protein complex 5 subunit zeta 1; plus strand). Cytogenetic location: 7p22.1.
Variant type: single nucleotide variant.
Coding change: c.2352C>A on transcript NM_014855.3 (MANE Select); coding-DNA position 2352, C replaced by A.
Protein change: p.Asn784Lys; replaces asparagine 784 with lysine.
Molecular consequence: missense variant. On other transcripts: non-coding transcript variant (1).
Genome position (GRCh38, 1-based): chr7:4,791,313, C>A. VCF-style: chr7-4791313-C-A. GRCh37 (hg19) VCF-style: chr7-4830944-C-A.
Other names: c.1884C>A, p.Asn628Lys (NM_001364858.1); short protein forms N628K, N784K.
Identifiers: ClinVar variation 1309758 (VCV001309758.8), dbSNP rs748913228, ClinGen allele CA4138446.